The following is an entry in ClinVar:

ClinVar aggregate classification (germline): Uncertain significance (1 of 4 stars; one submission).

Conditions:
Cardiovascular phenotype. Identifiers: MedGen CN230736.

Allele frequency attached by ClinVar (database versions not stated): gnomAD exomes below 0.00001; gnomAD 0.00001; TOPMed 0.00001.
gnomAD v4.1: 5 of 1,614,008 alleles (0.00031%); highest among the groups gnomAD compares: Non-Finnish European, 0.00042%; no homozygotes.

Submission:

Ambry Genetics
Classification: Uncertain significance for Cardiovascular phenotype. Last evaluated: 2023-01-07. Review status: criteria provided, single submitter. Criteria: Ambry Variant Classification Scheme 2023. Collection method: clinical testing. Allele origin: germline.
Comment: The p.F3019C variant (also known as c.9056T>G), located in coding exon 37 of the AKAP9 gene, results from a T to G substitution at nucleotide position 9056. The phenylalanine at codon 3019 is replaced by cysteine, an amino acid with highly dissimilar properties. This amino acid position is conserved. In addition, this alteration is predicted to be tolerated by in silico analysis. Since supporting evidence is limited at this time, the clinical significance of this alteration remains unclear.

NM_005751.5(AKAP9):c.9056T>G (p.Phe3019Cys)

Gene: AKAP9 (A-kinase anchoring protein 9; plus strand). Cytogenetic location: 7q21.2.
Variant type: single nucleotide variant.
Coding change: c.9056T>G on transcript NM_005751.5 (MANE Select); coding-DNA position 9056, T replaced by G.
Protein change: p.Phe3019Cys; replaces phenylalanine 3019 with cysteine.
Molecular consequence: missense variant.
Genome position (GRCh38, 1-based): chr7:92,086,259, T>G. VCF-style: chr7-92086259-T-G. GRCh37 (hg19) VCF-style: chr7-91715573-T-G.
Other names: c.3701T>G, p.Phe1234Cys (NM_001379277.1); c.9032T>G, p.Phe3011Cys (NM_147185.3); short protein forms F3011C, F1234C, F3019C.
Identifiers: ClinVar variation 2449762 (VCV002449762.2), dbSNP rs1177146640, ClinGen allele CA368143440.
Genomic context (GRCh38, chr7:92,086,259, plus strand): 5'-ACTAACTATCGTTATATGTACTTTGCTAGGTTTATGATAGTTCTCAATCTCATGAGAGCT[T>G]CTCAGACTGGCGAGGTGAACTACTGCTTGCCCTTCAACAAGTTTTCTTAGAAGAGCGTAG-3'
Protein context (NP_005742.4, residues 3009-3029): VYDSSQSHES[Phe3019Cys]SDWRGELLLA